The following is an entry in ClinVar:

ClinVar aggregate classification (germline): Pathogenic (1 of 4 stars; one submission).

Conditions:
Mitochondrial trifunctional protein deficiency. Identifiers: Orphanet 746, MedGen C1969443, MONDO:0012172.
Long chain 3-hydroxyacyl-CoA dehydrogenase deficiency. Also called: LCHAD Deficiency; Deficiency of long-chain 3-hydroxyacyl-coenzyme A dehydrogenase. Identifiers: Orphanet 5, MedGen C3711645, MONDO:0012173, OMIM 609016.

Submission:

Labcorp Genetics (formerly Invitae), Labcorp
Classification: Pathogenic for Mitochondrial trifunctional protein deficiency; Long chain 3-hydroxyacyl-CoA dehydrogenase deficiency. Last evaluated: 2023-03-22. Review status: criteria provided, single submitter. Criteria: Invitae Variant Classification Sherloc (09022015). Collection method: clinical testing. Allele origin: germline.
Comment: For these reasons, this variant has been classified as Pathogenic. Algorithms developed to predict the effect of sequence changes on RNA splicing suggest that this variant may disrupt the consensus splice site. ClinVar contains an entry for this variant (Variation ID: 1452307). This variant is also known as c.1620+1del. This variant has not been reported in the literature in individuals affected with HADHA-related conditions. This variant is not present in population databases (gnomAD no frequency). This sequence change creates a premature translational stop signal (p.Asp541Metfs*14) in the HADHA gene. It is expected to result in an absent or disrupted protein product. Loss-of-function variants in HADHA are known to be pathogenic (PMID: 7738175, 21103935, 21549624, 22459206).

Literature cited by the submitters: PubMed 7738175; PubMed 21103935; PubMed 21549624; PubMed 22459206.

NM_000182.5(HADHA):c.1620+1del

Genes: HADHA (hydroxyacyl-CoA dehydrogenase trifunctional multienzyme complex subunit alpha; minus strand), GAREM2 (GRB2 associated regulator of MAPK1 subtype 2; plus strand). Cytogenetic location: 2p23.3.
Variant type: Deletion.
Coding change: c.1620+1del on transcript NM_000182.5 (MANE Select); the canonical splice donor site of the intron after coding-DNA position 1620, one base deleted (G; older notation c.1620+1delG).
Molecular consequence: splice donor variant.
Genome position (GRCh38, 1-based): chr2:26,195,091, C deleted on the plus strand (G on the coding strand, the reverse complement: HADHA is on the minus strand); the first of 2 consecutive C bases (chr2:26,195,091-26,195,092); deleting either gives the same sequence. VCF-style (leftmost placement, unchanged base first): chr2-26195090-AC-A. GRCh37 (hg19) VCF-style: chr2-26417959-AC-A.
Identifiers: ClinVar variation 1452307 (VCV001452307.6), dbSNP rs2147753555, ClinGen allele CA2573134473.
Genomic context (GRCh38, chr2:26,195,090, plus strand): 5'-GGTAAAAGGAGTCTTATTAGAACTTTTCAAAAACTCTGCAGCTCTGTTATACAGCCCCTT[AC>A]CTTAACCACAATGATGACCTTCCCCTGCTTGAGACCAACTGCTACAGCTGAAGCACTGGT-3'